The following is an entry in ClinVar:

ClinVar aggregate classification (germline): Uncertain significance (1 of 4 stars; one submission).

Conditions:
Catecholaminergic polymorphic ventricular tachycardia 1. Also called: VENTRICULAR TACHYCARDIA, CATECHOLAMINERGIC POLYMORPHIC, 1, WITH OR WITHOUT ATRIAL DYSFUNCTION AND/OR DILATED CARDIOMYOPATHY; RYR2-Related Catecholaminergic Polymorphic Ventricular Tachycardia; VENTRICULAR TACHYCARDIA, STRESS-INDUCED POLYMORPHIC 1. Identifiers: Orphanet 3286, MedGen C1631597, MONDO:0011484, OMIM 604772.

gnomAD v4.1: 1 of 1,258,708 alleles (0.000079%); no homozygotes.

Submission:

Labcorp Genetics (formerly Invitae), Labcorp
Classification: Uncertain significance for Catecholaminergic polymorphic ventricular tachycardia 1. Last evaluated: 2024-07-23. Review status: criteria provided, single submitter. Criteria: Invitae Variant Classification Sherloc (09022015). Collection method: clinical testing. Allele origin: germline.
Comment: This sequence change replaces glycine, which is neutral and non-polar, with serine, which is neutral and polar, at codon 5 of the RYR2 protein (p.Gly5Ser). This variant is not present in population databases (gnomAD no frequency). This variant has not been reported in the literature in individuals affected with RYR2-related conditions. Advanced modeling of protein sequence and biophysical properties (such as structural, functional, and spatial information, amino acid conservation, physicochemical variation, residue mobility, and thermodynamic stability) performed at Invitae indicates that this missense variant is expected to disrupt RYR2 protein function with a positive predictive value of 95%. In summary, the available evidence is currently insufficient to determine the role of this variant in disease. Therefore, it has been classified as a Variant of Uncertain Significance.

NM_001035.3(RYR2):c.13G>A (p.Gly5Ser)

Gene: RYR2 (ryanodine receptor 2; plus strand). Cytogenetic location: 1q43.
Variant type: single nucleotide variant.
Coding change: c.13G>A on transcript NM_001035.3 (MANE Select); coding-DNA position 13, G replaced by A.
Protein change: p.Gly5Ser; replaces glycine 5 with serine.
Molecular consequence: missense variant.
Genome position (GRCh38, 1-based): chr1:237,042,534, G>A. VCF-style: chr1-237042534-G-A. GRCh37 (hg19) VCF-style: chr1-237205834-G-A.
Other names: short protein forms G5S.
Identifiers: ClinVar variation 3633776 (VCV003633776.2).